The following is an entry in ClinVar:

NM_000271.5(NPC1):c.864dup (p.Ala289fs)

Gene: NPC1 (NPC intracellular cholesterol transporter 1; minus strand). Cytogenetic location: 18q11.2.
Variant type: Duplication.
Coding change: c.864dup on transcript NM_000271.5 (MANE Select); coding-DNA position 864, one base duplicated (T; older notation c.864dupT).
Protein change: p.Ala289fs; shifts the reading frame from alanine 289.
Molecular consequence: frameshift variant.
Genome position (GRCh38, 1-based): chr18:23,560,248, A duplicated on the plus strand (T on the coding strand, the reverse complement: NPC1 is on the minus strand); the first of 6 consecutive A bases (chr18:23,560,248-23,560,253); duplicating any one gives the same sequence. VCF-style (leftmost placement, unchanged base first): chr18-23560247-C-CA. GRCh37 (hg19) VCF-style: chr18-21140211-C-CA.
Other names: short protein forms A289fs.
Identifiers: ClinVar variation 4715529 (VCV004715529.1).

ClinVar aggregate classification (germline): Pathogenic (1 of 4 stars; one submission).

Conditions:
Niemann-Pick disease, type C1. Also called: NEUROVISCERAL STORAGE DISEASE WITH VERTICAL SUPRANUCLEAR OPHTHALMOPLEGIA; NIEMANN-PICK DISEASE WITH CHOLESTEROL ESTERIFICATION BLOCK; NIEMANN-PICK DISEASE WITHOUT SPHINGOMYELINASE DEFICIENCY; NIEMANN-PICK DISEASE, CHRONIC NEURONOPATHIC FORM; NIEMANN-PICK DISEASE, VARIANT TYPE C1. Identifiers: Orphanet 646, MedGen C3179455, MONDO:0009757, OMIM 257220.

Submission:

Labcorp Genetics (formerly Invitae), Labcorp
Classification: Pathogenic for Niemann-Pick disease, type C1. Last evaluated: 2025-03-19. Review status: criteria provided, single submitter. Criteria: Invitae Variant Classification Sherloc (09022015). Collection method: clinical testing. Allele origin: germline.
Comment: This sequence change creates a premature translational stop signal (p.Ala289Cysfs*19) in the NPC1 gene. It is expected to result in an absent or disrupted protein product. Loss-of-function variants in NPC1 are known to be pathogenic (PMID: 9211850). This variant is not present in population databases (gnomAD no frequency). This variant has not been reported in the literature in individuals affected with NPC1-related conditions. For these reasons, this variant has been classified as Pathogenic.

Literature cited by the submitters: PubMed 9211850.